The following is an entry in ClinVar:

ClinVar aggregate classification (germline): Pathogenic/Likely pathogenic. Review status: criteria provided, multiple submitters, no conflicts (2 of 4 stars). 2 submissions from 2 submitters: Pathogenic (1); Likely pathogenic (1). Last evaluated 2023-10-16.

Conditions:
Agenesis of the corpus callosum with peripheral neuropathy (ACCPN). Also called: POLYNEUROPATHY, SENSORIMOTOR, WITH OR WITHOUT AGENESIS OF THE CORPUS CALLOSUM; HMSN/ACC; CHARLEVOIX DISEASE; Hereditary Motor and Sensory Neuropathy with Agenesis of the Corpus Callosum. Identifiers: Orphanet 1496, MedGen C0795950, MONDO:0000902, OMIM 218000. Disease mechanism: loss of function.

Allele frequency attached by ClinVar (database versions not stated): gnomAD 0.00001; gnomAD exomes 0.00001; TOPMed 0.00002.
gnomAD v4.1: 21 of 1,607,170 alleles (0.0013%); highest among the groups gnomAD compares: East Asian, 0.0067%; no homozygotes.

Submissions (2):

Baylor Genetics
Classification: Likely pathogenic for Agenesis of the corpus callosum with peripheral neuropathy. Last evaluated: 2023-10-16. Review status: criteria provided, single submitter. Criteria: ACMG Guidelines, 2015. Collection method: clinical testing. Allele origin: unknown.

Labcorp Genetics (formerly Invitae), Labcorp
Classification: Pathogenic. Last evaluated: 2023-09-12. Review status: criteria provided, single submitter. Criteria: Invitae Variant Classification Sherloc (09022015). Collection method: clinical testing. Allele origin: germline.
Comment: For these reasons, this variant has been classified as Pathogenic. ClinVar contains an entry for this variant (Variation ID: 1075166). This sequence change creates a premature translational stop signal (p.Arg298*) in the SLC12A6 gene. It is expected to result in an absent or disrupted protein product. Loss-of-function variants in SLC12A6 are known to be pathogenic (PMID: 12368912, 16606917). This variant is not present in population databases (gnomAD no frequency). This variant has not been reported in the literature in individuals affected with SLC12A6-related conditions.

Literature cited by the submitters: PubMed 12368912 (cited by Labcorp Genetics (formerly Invitae), Labcorp); PubMed 16606917 (cited by Labcorp Genetics (formerly Invitae), Labcorp).

NM_001365088.1(SLC12A6):c.892C>T (p.Arg298Ter)

Gene: SLC12A6 (solute carrier family 12 member 6; minus strand). Cytogenetic location: 15q14.
Variant type: single nucleotide variant.
Coding change: c.892C>T on transcript NM_001365088.1 (MANE Select); coding-DNA position 892, C replaced by T.
Protein change: p.Arg298Ter; replaces arginine 298 with a stop codon.
Molecular consequence: nonsense.
Genome position (GRCh38, 1-based): chr15:34,254,574, G>A on the plus strand (C>T on the coding strand, the complement: SLC12A6 is on the minus strand). VCF-style: chr15-34254574-G-A. GRCh37 (hg19) VCF-style: chr15-34546775-G-A.
Other names: c.715C>T, p.Arg239Ter (NM_001042494.2, NM_001042495.2); c.865C>T, p.Arg289Ter (NM_001042496.2); c.847C>T, p.Arg283Ter (NM_001042497.2); c.739C>T, p.Arg247Ter (NM_005135.2); c.892C>T, p.Arg298Ter (NM_133647.2); short protein forms R239*, R247*, R283*, R289*, R298*.
Identifiers: ClinVar variation 1075166 (VCV001075166.8), dbSNP rs897661402, ClinGen allele CA268639556.
Genomic context (GRCh38, chr15:34,254,574, plus strand): 5'-TGTTATTTAGCATGGCTGCTGATTCCTTGAGTGCGTCATCACTGTGAAAGATGGCAGCTC[G>A]GGGGACGATATAGACCTGTTAGGTAAAAATAAAGGAGAAAATTAGGTTATTTCAAAATAA-3'